The following is an entry in ClinVar:

NM_002439.5(MSH3):c.427G>T (p.Asp143Tyr)

Gene: MSH3 (mutS homolog 3; plus strand). Cytogenetic location: 5q14.1.
Variant type: single nucleotide variant.
Coding change: c.427G>T on transcript NM_002439.5 (MANE Select); coding-DNA position 427, G replaced by T.
Protein change: p.Asp143Tyr; replaces aspartic acid 143 with tyrosine.
Molecular consequence: missense variant.
Genome position (GRCh38, 1-based): chr5:80,665,211, G>T. VCF-style: chr5-80665211-G-T. GRCh37 (hg19) VCF-style: chr5-79961030-G-T.
Other names: short protein forms D143Y.
Identifiers: ClinVar variation 862937 (VCV000862937.11), dbSNP rs138381683, ClinGen allele CA3327602.

ClinVar aggregate classification (germline): Uncertain significance. Review status: criteria provided, multiple submitters, no conflicts (2 of 4 stars). 2 submissions from 2 submitters: Uncertain significance (2). Last evaluated 2026-01-18.

Conditions:
Hereditary cancer-predisposing syndrome. Also called: Hereditary Cancer Syndrome; Tumor predisposition; Neoplastic Syndromes, Hereditary; Hereditary neoplastic syndrome. Identifiers: Orphanet 140162, MedGen C0027672, MeSH D009386, MONDO:0015356.

Allele frequency attached by ClinVar (database versions not stated): TOPMed 0.00002; 1000 Genomes Project 30x 0.00031.
gnomAD v4.1: 34 of 1,614,128 alleles (0.0021%); highest among the groups gnomAD compares: Non-Finnish European, 0.0028%; no homozygotes.

Submissions (2):

Labcorp Genetics (formerly Invitae), Labcorp
Classification: Uncertain significance. Last evaluated: 2026-01-18. Review status: criteria provided, single submitter. Criteria: Invitae Variant Classification Sherloc (09022015). Collection method: clinical testing. Allele origin: germline.
Comment: This sequence change replaces aspartic acid, which is acidic and polar, with tyrosine, which is neutral and polar, at codon 143 of the MSH3 protein (p.Asp143Tyr). This variant is present in population databases (rs138381683, gnomAD 0.002%). This variant has not been reported in the literature in individuals affected with MSH3-related conditions. ClinVar contains an entry for this variant (Variation ID: 862937). An algorithm developed to predict the effect of missense changes on protein structure and function (PolyPhen-2) suggests that this variant is likely to be disruptive. In summary, the available evidence is currently insufficient to determine the role of this variant in disease. Therefore, it has been classified as a Variant of Uncertain Significance.

Ambry Genetics
Classification: Uncertain significance for Hereditary cancer-predisposing syndrome. Last evaluated: 2024-10-28. Review status: criteria provided, single submitter. Criteria: Ambry Variant Classification Scheme 2023. Collection method: clinical testing. Allele origin: germline.
Comment: The p.D143Y variant (also known as c.427G>T), located in coding exon 3 of the MSH3 gene, results from a G to T substitution at nucleotide position 427. The aspartic acid at codon 143 is replaced by tyrosine, an amino acid with highly dissimilar properties. This amino acid position is not well conserved in available vertebrate species. In addition, the in silico prediction for this alteration is inconclusive. Based on the available evidence, the clinical significance of this variant remains unclear.